The following is an entry in ClinVar:

ClinVar aggregate classification (germline): Uncertain significance (1 of 4 stars; one submission).

Conditions:
Hypertrophic cardiomyopathy. Also called: HYPERTROPHIC MYOCARDIOPATHY. Identifiers: Orphanet 217569, MedGen C0007194, MeSH D002312, MONDO:0005045, HP:0001639.

Submission:

Labcorp Genetics (formerly Invitae), Labcorp
Classification: Uncertain significance for Hypertrophic cardiomyopathy. Last evaluated: 2021-05-13. Review status: criteria provided, single submitter. Criteria: Invitae Variant Classification Sherloc (09022015). Collection method: clinical testing. Allele origin: germline.
Comment: In summary, the available evidence is currently insufficient to determine the role of this variant in disease. Therefore, it has been classified as a Variant of Uncertain Significance. Algorithms developed to predict the effect of missense changes on protein structure and function are either unavailable or do not agree on the potential impact of this missense change (SIFT: "Deleterious"; PolyPhen-2: "Possibly Damaging"; Align-GVGD: "Class C0"). This variant has not been reported in the literature in individuals with MYH7-related conditions. This variant is not present in population databases (ExAC no frequency). This sequence change replaces glutamic acid with lysine at codon 1693 of the MYH7 protein (p.Glu1693Lys). The glutamic acid residue is highly conserved and there is a small physicochemical difference between glutamic acid and lysine.

NM_000257.4(MYH7):c.5077G>A (p.Glu1693Lys)

Genes: MHRT (myosin heavy chain associated RNA transcript; plus strand), MYH7 (myosin heavy chain 7; minus strand), LOC126861897 (BRD4-independent group 4 enhancer GRCh37_chr14:23884455-23885654; plus strand). Cytogenetic location: 14q11.2.
Variant type: single nucleotide variant.
Coding change: c.5077G>A on transcript NM_000257.4 (MANE Select); coding-DNA position 5077, G replaced by A.
Protein change: p.Glu1693Lys; replaces glutamic acid 1693 with lysine.
Molecular consequence: missense variant. On other transcripts: non-coding transcript variant (1).
Genome position (GRCh38, 1-based): chr14:23,415,709, C>T on the plus strand (G>A on the coding strand, the complement: MYH7 is on the minus strand). VCF-style: chr14-23415709-C-T. GRCh37 (hg19) VCF-style: chr14-23884918-C-T.
Other names: short protein forms E1693K.
Identifiers: ClinVar variation 1467505 (VCV001467505.8), dbSNP rs1892169024, ClinGen allele CA389037012.